The following is an entry in ClinVar:

NM_015910.7(WDPCP):c.1916-2A>G

Gene: WDPCP (WD repeat containing planar cell polarity effector; minus strand). Cytogenetic location: 2p15.
Variant type: single nucleotide variant.
Coding change: c.1916-2A>G on transcript NM_015910.7 (MANE Select); the canonical splice acceptor site of the intron before coding-DNA position 1916, A replaced by G.
Molecular consequence: splice acceptor variant.
Genome position (GRCh38, 1-based): chr2:63,174,834, T>C on the plus strand (A>G on the coding strand, the complement: WDPCP is on the minus strand). VCF-style: chr2-63174834-T-C. GRCh37 (hg19) VCF-style: chr2-63401969-T-C.
Other names: c.1844-2A>G (NM_001354044.2); c.1439-2A>G (NM_001042692.3).
Identifiers: ClinVar variation 591518 (VCV000591518.9), dbSNP rs763299856, ClinGen allele CA347056927.

ClinVar aggregate classification (germline): Likely pathogenic. Review status: criteria provided, single submitter (1 of 4 stars). 2 submissions from 2 submitters: Likely pathogenic (1). 1 of the submissions does not count toward it. Last evaluated 2022-07-06.

Conditions:
Bardet-Biedl syndrome (BBS). Identifiers: Orphanet 110, MedGen C0752166, MONDO:0015229.

Allele frequency attached by ClinVar (database versions not stated): TOPMed below 0.00001.
gnomAD v4.1: 6 of 1,613,660 alleles (0.00037%); highest among the groups gnomAD compares: Non-Finnish European, 0.00034%; no homozygotes.

Submissions (2):

Labcorp Genetics (formerly Invitae), Labcorp
Classification: Likely pathogenic for Bardet-Biedl syndrome. Last evaluated: 2022-07-06. Review status: criteria provided, single submitter. Criteria: Invitae Variant Classification Sherloc (09022015). Collection method: clinical testing. Allele origin: germline.
Comment: In summary, the currently available evidence indicates that the variant is pathogenic, but additional data are needed to prove that conclusively. Therefore, this variant has been classified as Likely Pathogenic. Algorithms developed to predict the effect of sequence changes on RNA splicing suggest that this variant may disrupt the consensus splice site. ClinVar contains an entry for this variant (Variation ID: 591518). This variant has not been reported in the literature in individuals affected with WDPCP-related conditions. This variant is not present in population databases (gnomAD no frequency). This sequence change affects an acceptor splice site in intron 14 of the WDPCP gene. It is expected to disrupt RNA splicing. Variants that disrupt the donor or acceptor splice site typically lead to a loss of protein function (PMID: 16199547), and loss-of-function variants in WDPCP are known to be pathogenic (PMID: 20671153, 25427950, 27158779).

Gharavi Laboratory, Columbia University
Classification: Uncertain significance. Last evaluated: 2018-09-16. Review status: no assertion criteria provided. Criteria: ACMG Guidelines, 2015. Collection method: research. Allele origin: germline. Affected: yes. Not counted in ClinVar's aggregate classification.

Literature cited by the submitters: PubMed 16199547 (cited by Labcorp Genetics (formerly Invitae), Labcorp); PubMed 20671153 (cited by Labcorp Genetics (formerly Invitae), Labcorp); PubMed 25427950 (cited by Labcorp Genetics (formerly Invitae), Labcorp); PubMed 27158779 (cited by Labcorp Genetics (formerly Invitae), Labcorp).